The following is an entry in ClinVar:

NM_001367624.2(ZNF469):c.4344G>A (p.Pro1448=)

Gene: ZNF469 (zinc finger protein 469; plus strand). Cytogenetic location: 16q24.2.
Variant type: single nucleotide variant.
Coding change: c.4344G>A on transcript NM_001367624.2 (MANE Select); coding-DNA position 4344, G replaced by A.
Protein change: p.Pro1448=; no amino-acid change (proline 1448 retained).
Molecular consequence: synonymous variant.
Genome position (GRCh38, 1-based): chr16:88,431,814, G>A. VCF-style: chr16-88431814-G-A. GRCh37 (hg19) VCF-style: chr16-88498222-G-A.
Other names: NM_001127464.1:c.4260G>A; NM_001127464.2:c.4260G>A.
Identifiers: ClinVar variation 1591755 (VCV001591755.12), dbSNP rs780866854, ClinGen allele CA8224941.

ClinVar aggregate classification (germline): Likely benign. Review status: criteria provided, multiple submitters, no conflicts (2 of 4 stars). 4 submissions from 4 submitters: Likely benign (4). Last evaluated 2026-07-22.

Conditions:
ZNF469-related disorder. Also called: ZNF469-related condition.
Cardiovascular phenotype. Identifiers: MedGen CN230736.

Allele frequency attached by ClinVar (database versions not stated): gnomAD 0.00003 and 0.00007; gnomAD exomes 0.00005; ExAC 0.00021.
gnomAD v4.1: 81 of 1,549,684 alleles (0.0052%); highest among the groups gnomAD compares: Middle Eastern, 0.2%; 1 homozygote.

Submissions (4):

PreventionGenetics, part of Exact Sciences
Classification: Likely benign for ZNF469-related condition. Last evaluated: 2026-07-22. Review status: criteria provided, single submitter. Criteria: ACMG Guidelines, 2015. Collection method: clinical testing. Allele origin: germline.
Comment: This variant is classified as likely benign based on ACMG/AMP sequence variant interpretation guidelines (Richards et al. 2015 PMID: 25741868, with internal and published modifications).

Labcorp Genetics (formerly Invitae), Labcorp
Classification: Likely benign. Last evaluated: 2026-01-28. Review status: criteria provided, single submitter. Criteria: Invitae Variant Classification Sherloc (09022015). Collection method: clinical testing. Allele origin: germline.

Women's Health and Genetics/Laboratory Corporation of America, LabCorp
Classification: Likely benign. Last evaluated: 2025-03-24. Review status: criteria provided, single submitter. Criteria: LabCorp Variant Classification Summary - May 2015. Collection method: clinical testing. Allele origin: germline.

Ambry Genetics
Classification: Likely benign for Cardiovascular phenotype. Last evaluated: 2021-09-30. Review status: criteria provided, single submitter. Criteria: Ambry Variant Classification Scheme 2023. Collection method: clinical testing. Allele origin: germline.